The following is an entry in ClinVar:

ClinVar aggregate classification (germline): Uncertain significance (1 of 4 stars; one submission).

Allele frequency attached by ClinVar (database versions not stated): TOPMed 0.00002.
gnomAD v4.1: 1 of 1,211,921 alleles (0.000083%); highest among the groups gnomAD compares: Admixed American, 0.0022%; no homozygotes.

Submission:

Labcorp Genetics (formerly Invitae), Labcorp
Classification: Uncertain significance. Last evaluated: 2021-04-17. Review status: criteria provided, single submitter. Criteria: Invitae Variant Classification Sherloc (09022015). Collection method: clinical testing. Allele origin: germline.
Comment: This sequence change falls in intron 44 of the COL4A6 gene. It does not directly change the encoded amino acid sequence of the COL4A6 protein. It affects a nucleotide within the consensus splice site of the intron. This variant is not present in population databases (ExAC no frequency). This variant has not been reported in the literature in individuals with COL4A6-related conditions. Nucleotide substitutions within the consensus splice site are a relatively common cause of aberrant splicing (PMID: 17576681, 9536098). Algorithms developed to predict the effect of sequence changes on RNA splicing suggest that this variant may disrupt the consensus splice site, but this prediction has not been confirmed by published transcriptional studies. In summary, the available evidence is currently insufficient to determine the role of this variant in disease. Therefore, it has been classified as a Variant of Uncertain Significance.

Literature cited by the submitters: PubMed 17576681; PubMed 9536098.

NM_033641.4(COL4A6):c.4812+5G>T

Gene: COL4A6 (collagen type IV alpha 6 chain; minus strand). Cytogenetic location: Xq22.3.
Variant type: single nucleotide variant.
Coding change: c.4812+5G>T on transcript NM_033641.4 (MANE Select); 5 bases into the intron after coding-DNA position 4812, G replaced by T.
Molecular consequence: intron variant.
Genome position (GRCh38, 1-based): chrX:108,159,457, C>A on the plus strand (G>T on the coding strand, the complement: COL4A6 is on the minus strand). VCF-style: chrX-108159457-C-A. GRCh37 (hg19) VCF-style: chrX-107402687-C-A.
Other names: c.4815+5G>T (NM_001847.4); c.4641+5G>T (NM_001287760.2); c.4740+5G>T (NM_001287759.2); c.4863+5G>T (NM_001287758.2).
Identifiers: ClinVar variation 1465768 (VCV001465768.6), dbSNP rs2033844355, ClinGen allele CA2450542668.